The following is an entry in ClinVar:

NM_006441.4(MTHFS):c.355G>C (p.Val119Leu)

Genes: MTHFS (methenyltetrahydrofolate synthetase; minus strand), ST20-MTHFS (ST20-MTHFS readthrough; minus strand). Cytogenetic location: 15q25.1.
Variant type: single nucleotide variant.
Coding change: c.355G>C on transcript NM_006441.4 (MANE Select); coding-DNA position 355, G replaced by C.
Protein change: p.Val119Leu; replaces valine 119 with leucine.
Molecular consequence: missense variant. On other transcripts: non-coding transcript variant (1).
Genome position (GRCh38, 1-based): chr15:79,889,117, C>G on the plus strand (G>C on the coding strand, the complement: MTHFS is on the minus strand). VCF-style: chr15-79889117-C-G. GRCh37 (hg19) VCF-style: chr15-80181459-C-G.
Other names: c.283G>C, p.Val95Leu (NM_001199760.2); c.184G>C, p.Val62Leu (NM_001199758.1); c.355G>C (NM_006441.3); short protein forms V119L, V62L, V95L.
Identifiers: ClinVar variation 2069160 (VCV002069160.5), dbSNP rs145953716, ClinGen allele CA7690311.

ClinVar aggregate classification (germline): Likely benign. Review status: criteria provided, multiple submitters, no conflicts (2 of 4 stars). 2 submissions from 2 submitters: Likely benign (2). Last evaluated 2026-09-16.

Conditions:
MTHFS-related disorder. Also called: MTHFS-related condition.

Allele frequency attached by ClinVar (database versions not stated): 1000 Genomes Project 0.00020; gnomAD 0.00029; gnomAD exomes 0.00030; 1000 Genomes Project 30x 0.00031; ESP Exome Variant Server 0.00031; ExAC 0.00050.
gnomAD v4.1: 509 of 1,614,186 alleles (0.032%); highest among the groups gnomAD compares: Middle Eastern, 0.4%; 2 homozygotes.

Submissions (2):

PreventionGenetics, part of Exact Sciences
Classification: Likely benign for MTHFS-related condition. Last evaluated: 2026-09-16. Review status: criteria provided, single submitter. Criteria: ACMG Guidelines, 2015. Collection method: clinical testing. Allele origin: germline.
Comment: This variant is classified as likely benign based on ACMG/AMP sequence variant interpretation guidelines (Richards et al. 2015 PMID: 25741868, with internal and published modifications).

Labcorp Genetics (formerly Invitae), Labcorp
Classification: Likely benign. Last evaluated: 2025-10-13. Review status: criteria provided, single submitter. Criteria: Invitae Variant Classification Sherloc (09022015). Collection method: clinical testing. Allele origin: germline.